The following is an entry in ClinVar:

ClinVar aggregate classification (germline): Uncertain significance. Review status: criteria provided, multiple submitters, no conflicts (2 of 4 stars). 3 submissions from 3 submitters: Uncertain significance (3). Last evaluated 2026-01-12.

Conditions:
Charcot-Marie-Tooth disease axonal type 2P. Also called: Charcot-Marie-Tooth Neuropathy Type 2G; CHARCOT-MARIE-TOOTH NEUROPATHY, TYPE 2P; CHARCOT-MARIE-TOOTH DISEASE, AXONAL, TYPE 2G; CMT 2G. Identifiers: Orphanet 300319, Orphanet 99941, MedGen C3280797, MONDO:0013753, OMIM 614436.
Inborn genetic diseases. Identifiers: MedGen C0950123, MeSH D030342.
Charcot-Marie-Tooth disease. Also called: Charcot-Marie-Tooth Hereditary Neuropathy; Charcot-Marie-Tooth Neuropathy. Identifiers: Orphanet 166, MedGen C0007959, MONDO:0015626.

Allele frequency attached by ClinVar (database versions not stated): TOPMed 0.00002; ExAC 0.00003; gnomAD exomes 0.00003 and 0.00004.
gnomAD v4.1: 43 of 1,614,070 alleles (0.0027%); highest among the groups gnomAD compares: Non-Finnish European, 0.003%; no homozygotes.

Submissions (3):

Labcorp Genetics (formerly Invitae), Labcorp
Classification: Uncertain significance for Charcot-Marie-Tooth disease axonal type 2P. Last evaluated: 2026-01-12. Review status: criteria provided, single submitter. Criteria: Invitae Variant Classification Sherloc (09022015). Collection method: clinical testing. Allele origin: germline.
Comment: This sequence change replaces threonine, which is neutral and polar, with methionine, which is neutral and non-polar, at codon 331 of the LRSAM1 protein (p.Thr331Met). This variant is present in population databases (rs775480266, gnomAD 0.01%). This missense change has been observed in individual(s) with clinical features of Charcot-Marie-Tooth disease (PMID: 32376792). ClinVar contains an entry for this variant (Variation ID: 917351). Invitae Evidence Modeling of protein sequence and biophysical properties (such as structural, functional, and spatial information, amino acid conservation, physicochemical variation, residue mobility, and thermodynamic stability) indicates that this missense variant is not expected to disrupt LRSAM1 protein function with a negative predictive value of 80%. In summary, the available evidence is currently insufficient to determine the role of this variant in disease. Therefore, it has been classified as a Variant of Uncertain Significance.

Ambry Genetics
Classification: Uncertain significance for Inborn genetic diseases. Last evaluated: 2019-10-01. Review status: criteria provided, single submitter. Criteria: Ambry Variant Classification Scheme 2023. Collection method: clinical testing. Allele origin: germline.
Comment: The p.T331M variant (also known as c.992C>T), located in coding exon 12 of the LRSAM1 gene, results from a C to T substitution at nucleotide position 992. The threonine at codon 331 is replaced by methionine, an amino acid with similar properties. This amino acid position is not well conserved in available vertebrate species, and methionone is the reference amino acid in other vertebrate species. In addition, this alteration is predicted to be tolerated by in silico analysis. Since supporting evidence is limited at this time, the clinical significance of this alteration remains unclear.

Molecular Genetics Laboratory, London Health Sciences Centre
Classification: Uncertain significance for Charcot-Marie-Tooth disease. Review status: criteria provided, single submitter. Criteria: ACMG Guidelines, 2015. Collection method: clinical testing. Allele origin: germline. Affected: yes.

Literature cited by the submitters: PubMed 32376792 (cited by Labcorp Genetics (formerly Invitae), Labcorp).

NM_001005373.4(LRSAM1):c.992C>T (p.Thr331Met)

Gene: LRSAM1 (leucine rich repeat and sterile alpha motif containing 1; plus strand). Cytogenetic location: 9q33.3.
Variant type: single nucleotide variant.
Coding change: c.992C>T on transcript NM_001005373.4 (MANE Select); coding-DNA position 992, C replaced by T.
Protein change: p.Thr331Met; replaces threonine 331 with methionine.
Molecular consequence: missense variant. On other transcripts: non-coding transcript variant (2).
Genome position (GRCh38, 1-based): chr9:127,479,927, C>T. VCF-style: chr9-127479927-C-T. GRCh37 (hg19) VCF-style: chr9-130242206-C-T.
Other names: c.992C>T (NM_138361.4); c.992C>T, p.Thr331Met (NM_001005374.4, NM_001190723.3, NM_001384142.1 and 2 more transcripts); c.203C>T, p.Thr68Met (NM_001384144.1); short protein forms T331M, T68M.
Identifiers: ClinVar variation 917351 (VCV000917351.11), dbSNP rs775480266, ClinGen allele CA5246780.